The following is an entry in ClinVar:

NM_020365.5(EIF2B3):c.1115G>A (p.Arg372His)

Gene: EIF2B3 (eukaryotic translation initiation factor 2B subunit gamma; minus strand). Cytogenetic location: 1p34.1.
Variant type: single nucleotide variant.
Coding change: c.1115G>A on transcript NM_020365.5 (MANE Select); coding-DNA position 1115, G replaced by A.
Protein change: p.Arg372His; replaces arginine 372 with histidine.
Molecular consequence: missense variant.
Genome position (GRCh38, 1-based): chr1:44,874,765, C>T on the plus strand (G>A on the coding strand, the complement: EIF2B3 is on the minus strand). VCF-style: chr1-44874765-C-T. GRCh37 (hg19) VCF-style: chr1-45340437-C-T.
Other names: p.Arg372His; c.1115G>A, p.Arg372His (NM_001166588.3, NM_001261418.2); c.1115G>A (NM_020365.3); short protein forms R372H.
Identifiers: ClinVar variation 3379622 (VCV003379622.3).

ClinVar aggregate classification (germline): Conflicting classifications of pathogenicity. Review status: criteria provided, conflicting classifications (1 of 4 stars). 3 submissions from 3 submitters: Uncertain significance (2); Likely benign (1). Last evaluated 2025-08-07.

Conditions:
Inborn genetic diseases. Identifiers: MedGen C0950123, MeSH D030342.

gnomAD v4.1: 31 of 1,613,942 alleles (0.0019%); highest among the groups gnomAD compares: South Asian, 0.015%; no homozygotes.

Submissions (3):

Ambry Genetics
Classification: Likely benign for Inborn genetic diseases. Last evaluated: 2025-08-07. Review status: criteria provided, single submitter. Criteria: Ambry Variant Classification Scheme 2023. Collection method: clinical testing. Allele origin: germline.

Mayo Clinic Laboratories, Mayo Clinic
Classification: Uncertain significance. Last evaluated: 2024-06-11. Review status: criteria provided, single submitter. Criteria: ACMG Guidelines, 2015. Collection method: clinical testing. Allele origin: germline. Observed: 2 variant alleles.
Comment: BP4, PM2

Blueprint Genetics
Classification: Uncertain significance. Last evaluated: 2023-10-30. Review status: criteria provided, single submitter. Criteria: ACMG Guidelines, 2015. Collection method: clinical testing. Allele origin: germline.